The following is an entry in ClinVar:

NM_170784.3(MKKS):c.1328T>C (p.Leu443Pro)

Gene: MKKS (MKKS centrosomal shuttling protein; minus strand). Cytogenetic location: 20p12.2.
Variant type: single nucleotide variant.
Coding change: c.1328T>C on transcript NM_170784.3 (MANE Select); coding-DNA position 1328, T replaced by C.
Protein change: p.Leu443Pro; replaces leucine 443 with proline.
Molecular consequence: missense variant. On other transcripts: non-coding transcript variant (1).
Genome position (GRCh38, 1-based): chr20:10,405,632, A>G on the plus strand (T>C on the coding strand, the complement: MKKS is on the minus strand). VCF-style: chr20-10405632-A-G. GRCh37 (hg19) VCF-style: chr20-10386280-A-G.
Other names: c.1328T>C, p.Leu443Pro (NM_018848.3); short protein forms L443P.
Identifiers: ClinVar variation 1878893 (VCV001878893.2), dbSNP rs2514487025, ClinGen allele CA408231140.

ClinVar aggregate classification (germline): Uncertain significance. Review status: criteria provided, single submitter (1 of 4 stars). 2 submissions from 2 submitters: Uncertain significance (1). 1 of the submissions does not count toward it. Last evaluated 2022-07-11.

Conditions:
MKKS-related disorder. Also called: MKKS-related disorders; MKKS-related condition.

Allele frequency attached by ClinVar (database versions not stated): gnomAD exomes below 0.00001.
gnomAD v4.1: 1 of 1,614,172 alleles (0.000062%); highest among the groups gnomAD compares: Non-Finnish European, 0.000085%; no homozygotes.

Submissions (2):

GeneDx
Classification: Uncertain significance. Last evaluated: 2022-07-11. Review status: criteria provided, single submitter. Criteria: GeneDx Variant Classification Process June 2021. Collection method: clinical testing. Allele origin: germline. Affected: yes.
Comment: Not observed at significant frequency in large population cohorts (gnomAD); In silico analysis supports that this missense variant does not alter protein structure/function; Has not been previously published as pathogenic or benign to our knowledge

PreventionGenetics, part of Exact Sciences
Classification: Uncertain significance for MKKS-related condition. Last evaluated: 2024-01-04. Review status: no assertion criteria provided. Collection method: clinical testing. Allele origin: germline. Not counted in ClinVar's aggregate classification.
Comment: The MKKS c.1328T>C variant is predicted to result in the amino acid substitution p.Leu443Pro. To our knowledge, this variant has not been reported in the literature or in a large population database, indicating this variant is rare. At this time, the clinical significance of this variant is uncertain due to the absence of conclusive functional and genetic evidence.